The following is an entry in ClinVar:

ClinVar aggregate classification (germline): Likely benign (1 of 4 stars; one submission).

Conditions:
Deficiency of 2-methylbutyryl-CoA dehydrogenase (ACADSB). Also called: 2-methylbutyryl-CoA dehydrogenase deficiency; SBCAD deficiency; 2-methylbutyric aciduria; Short branched-chain acyl-CoA dehydrogenase deficiency; 2-methylbutyrylglycinuria. Identifiers: Orphanet 79157, MedGen C1864912, MONDO:0012392, OMIM 610006, HP:0020147.

Allele frequency attached by ClinVar (database versions not stated): gnomAD 0.00187 and 0.00192; TOPMed 0.00198; 1000 Genomes Project 30x 0.00250; 1000 Genomes Project 0.00260.

Submission:

Illumina Laboratory Services, Illumina
Classification: Likely benign for Deficiency of 2-methylbutyryl-CoA dehydrogenase. Last evaluated: 2018-01-12. Review status: criteria provided, single submitter. Criteria: ICSL Variant Classification Criteria 13 December 2019. Collection method: clinical testing. Allele origin: germline.
Comment: This variant was observed in the ICSL laboratory as part of a predisposition screen in an ostensibly healthy population. It had not been previously curated by ICSL or reported in the Human Gene Mutation Database (HGMD: prior to June 1st, 2018), and was therefore a candidate for classification through an automated scoring system. Utilizing variant allele frequency, disease prevalence and penetrance estimates, and inheritance mode, an automated score was calculated to assess if this variant is too frequent to cause the disease. Based on the score and internal cut-off values, a variant classified as likely benign is not then subjected to further curation. The score for this variant resulted in a classification of likely benign for this disease.

NM_001609.4(ACADSB):c.*2227A>G

Gene: ACADSB (acyl-CoA dehydrogenase short/branched chain; plus strand). Cytogenetic location: 10q26.13.
Variant type: single nucleotide variant.
Coding change: c.*2227A>G on transcript NM_001609.4 (MANE Select); 2227 bases downstream of the stop codon, A replaced by G.
Molecular consequence: 3 prime UTR variant.
Genome position (GRCh38, 1-based): chr10:123,055,992, A>G. VCF-style: chr10-123055992-A-G. GRCh37 (hg19) VCF-style: chr10-124815508-A-G.
Other names: c.*2227A>G (NM_001330174.3).
Identifiers: ClinVar variation 299130 (VCV000299130.5), dbSNP rs149926796, ClinGen allele CA10635146.
Genomic context (GRCh38, chr10:123,055,992, plus strand): 5'-GTTCCCAAAAAGTTTTTCATCTCCATCTGAGACCACCTCAGCCTGAATTTTATTGTCAAT[A>G]TTGCTATCAGCATTTTGGGCAAAGCCATTCAGCAAGTATCTAGGAAGTTCCAAACTTTCC-3'